The following is an entry in ClinVar:

NM_000038.6(APC):c.3793_3794insCTT (p.Glu1265delinsAlaTer)

Gene: APC (APC regulator of Wnt signaling pathway; plus strand). Cytogenetic location: 5q22.2.
Variant type: Insertion.
Coding change: c.3793_3794insCTT on transcript NM_000038.6 (MANE Select); coding-DNA positions 3793 to 3794, CTT inserted.
Protein change: p.Glu1265delinsAlaTer.
Molecular consequence: nonsense.
Genome position: GRCh38 VCF-style: chr5-112839387-G-GCTT. GRCh37 (hg19) VCF-style: chr5-112175084-G-GCTT.
Other names: c.3793_3794insCTT, p.Glu1265delinsAlaTer (NM_001127510.3, NM_001354895.2); c.3739_3740insCTT, p.Glu1247delinsAlaTer (NM_001127511.3); c.3847_3848insCTT, p.Glu1283delinsAlaTer (NM_001354896.2); c.3823_3824insCTT, p.Glu1275delinsAlaTer (NM_001354897.2); c.3718_3719insCTT, p.Glu1240delinsAlaTer (NM_001354898.2); c.3709_3710insCTT, p.Glu1237delinsAlaTer (NM_001354899.2); c.3670_3671insCTT, p.Glu1224delinsAlaTer (NM_001354900.2); c.3616_3617insCTT, p.Glu1206delinsAlaTer (NM_001354901.2); and 5 more.
Identifiers: ClinVar variation 662172 (VCV000662172.10), dbSNP rs1580640215, ClinGen allele CA915943482.

ClinVar aggregate classification (germline): Pathogenic/Likely pathogenic. Review status: criteria provided, multiple submitters, no conflicts (2 of 4 stars). 2 submissions from 2 submitters: Pathogenic (1); Likely pathogenic (1). Last evaluated 2025-06-09.

Conditions:
Familial adenomatous polyposis 1 (FAP1). Also called: FAMILIAL ADENOMATOUS POLYPOSIS 1, ATTENUATED; POLYPOSIS, ADENOMATOUS INTESTINAL. Identifiers: MedGen C2713442, MONDO:0021056, OMIM 175100. Disease mechanism: loss of function.

Submissions (2):

Labcorp Genetics (formerly Invitae), Labcorp
Classification: Pathogenic for Familial adenomatous polyposis 1. Last evaluated: 2025-06-09. Review status: criteria provided, single submitter. Criteria: Invitae Variant Classification Sherloc (09022015). Collection method: clinical testing. Allele origin: germline.
Comment: This sequence change creates a premature translational stop signal (p.Glu1265delinsAla*) in the APC gene. While this is not anticipated to result in nonsense mediated decay, it is expected to disrupt the last 1579 amino acid(s) of the APC protein. This variant is not present in population databases (gnomAD no frequency). This variant has not been reported in the literature in individuals affected with APC-related conditions. ClinVar contains an entry for this variant (Variation ID: 662172). This variant is expected to disrupt the EB1 and HDLG binding sites, which mediate interactions with the cytoskeleton (PMID: 15311282, 17293347). While functional studies have not been performed to directly test the effect on APC protein function, this suggests that disruption of the C-terminal portion of the protein is functionally important. A different truncation (p.Tyr2645Lysfs*14) that lies downstream of this variant has been determined to be pathogenic (PMID: 9824584, 1316610, 27081525, 8381579, 22135120, internal data). This suggests that deletion of this region of the APC protein is causative of disease. For these reasons, this variant has been classified as Pathogenic.

Quest Diagnostics Nichols Institute San Juan Capistrano
Classification: Likely pathogenic. Last evaluated: 2019-02-11. Review status: criteria provided, single submitter. Criteria: Quest Diagnostics criteria. Collection method: clinical testing. Allele origin: germline.
Comment: The variant creates a premature nonsense codon, and is therefore predicted to result in the loss of a functional protein. Not found in the total gnomAD dataset, and the data is high quality (0/281818 chr).

Literature cited by the submitters: PubMed 15311282 (cited by Labcorp Genetics (formerly Invitae), Labcorp); PubMed 17293347 (cited by Labcorp Genetics (formerly Invitae), Labcorp); PubMed 9824584 (cited by Labcorp Genetics (formerly Invitae), Labcorp); PubMed 1316610 (cited by Labcorp Genetics (formerly Invitae), Labcorp); PubMed 27081525 (cited by Labcorp Genetics (formerly Invitae), Labcorp); PubMed 8381579 (cited by Labcorp Genetics (formerly Invitae), Labcorp); PubMed 22135120 (cited by Labcorp Genetics (formerly Invitae), Labcorp).